The following is an entry in ClinVar:

ClinVar aggregate classification (germline): Likely pathogenic (1 of 4 stars; one submission).

Conditions:
Macrothrombocytopenia and granulocyte inclusions with or without nephritis or sensorineural hearing loss (MATINS). Also called: BLEEDING DISORDER, PLATELET-TYPE, 6; DOHLE LEUKOCYTE INCLUSIONS WITH GIANT PLATELETS; MAY-HEGGLIN ANOMALY; MACROTHROMBOCYTOPENIA WITH LEUKOCYTE INCLUSIONS; SEBASTIAN PLATELET SYNDROME; MACROTHROMBOCYTOPENIA WITH DISPERSED LEUKOCYTIC INCLUSIONS. Identifiers: Orphanet 182050, MedGen C5200934, MONDO:0015912, OMIM 155100.

Submission:

Center for Medical Genetics Ghent, University of Ghent
Classification: Likely pathogenic for Macrothrombocytopenia and granulocyte inclusions with or without nephritis or sensorineural hearing loss. Last evaluated: 2026-07-14. Review status: criteria provided, single submitter. Criteria: Media 12533 Media 12533 Uk Practice Guidelines For Variant Classification V12 2024 (1). Collection method: clinical testing. Allele origin: germline. Inheritance: Autosomal dominant inheritance. Affected: yes. Observed: 2 variant alleles, 2 heterozygotes. Clinical features observed: Neutrophil inclusion bodies (HP:0008264), Sensorineural hearing loss disorder (HP:0000407).
Comment: The MYH9 c.5593-2A>G variant has been reported in a family with MALTA syndrome and was shown to segregate with the disease in two affected relatives. The variant is absent from large population databases. In addition, RNA sequencing demonstrated that the variant results in multiple in-frame transcript alterations without triggering nonsense-mediated mRNA decay. Based on the following ACMG/AMP criteria, the variant was classified as likely pathogenic (class 4): PM2, PP4_PM, PVS1_PM

NM_002473.6(MYH9):c.5593-2A>G

Gene: MYH9 (myosin heavy chain 9; minus strand). Cytogenetic location: 22q12.3.
Variant type: single nucleotide variant.
Coding change: c.5593-2A>G on transcript NM_002473.6 (MANE Select); the canonical splice acceptor site of the intron before coding-DNA position 5593, A replaced by G.
Molecular consequence: splice acceptor variant.
Genome position (GRCh38, 1-based): chr22:36,284,267, T>C on the plus strand (A>G on the coding strand, the complement: MYH9 is on the minus strand). VCF-style: chr22-36284267-T-C. GRCh37 (hg19) VCF-style: chr22-36680313-T-C.
Identifiers: ClinVar variation 4871842 (VCV004871842.1).